The following is an entry in ClinVar:

ClinVar aggregate classification (germline): Uncertain significance. Review status: criteria provided, multiple submitters, no conflicts (2 of 4 stars). 2 submissions from 2 submitters: Uncertain significance (2). Last evaluated 2024-05-03.

Conditions:
Severe combined immunodeficiency, autosomal recessive, T cell-negative, B cell-negative, NK cell-negative, due to adenosine deaminase deficiency. Also called: SCID DUE TO ADA DEFICIENCY; SCID DUE TO ADA DEFICIENCY, EARLY-ONSET; ADA deficiency; Adenosine deaminase deficient severe combined immunodeficiency; Severe combined immunodeficiency due to ADA deficiency; ADA-SCID. Identifiers: Orphanet 277, MedGen C0392607, MONDO:0007064, OMIM 102700.

Allele frequency attached by ClinVar (database versions not stated): TOPMed below 0.00001.
gnomAD v4.1: 7 of 1,614,184 alleles (0.00043%); highest among the groups gnomAD compares: Non-Finnish European, 0.00059%; no homozygotes.

Submissions (2):

Revvity Omics, Revvity
Classification: Uncertain significance for Severe combined immunodeficiency, autosomal recessive, T cell-negative, B cell-negative, NK cell-negative, due to adenosine deaminase deficiency. Last evaluated: 2024-05-03. Review status: criteria provided, single submitter. Criteria: ACMG Guidelines, 2015. Collection method: clinical testing. Allele origin: germline.

Labcorp Genetics (formerly Invitae), Labcorp
Classification: Uncertain significance for Severe combined immunodeficiency, autosomal recessive, T cell-negative, B cell-negative, NK cell-negative, due to adenosine deaminase deficiency. Last evaluated: 2022-05-19. Review status: criteria provided, single submitter. Criteria: Invitae Variant Classification Sherloc (09022015). Collection method: clinical testing. Allele origin: germline.
Comment: This sequence change replaces glycine, which is neutral and non-polar, with aspartic acid, which is acidic and polar, at codon 94 of the ADA protein (p.Gly94Asp). This variant is not present in population databases (gnomAD no frequency). This variant has not been reported in the literature in individuals affected with ADA-related conditions. Advanced modeling of protein sequence and biophysical properties (such as structural, functional, and spatial information, amino acid conservation, physicochemical variation, residue mobility, and thermodynamic stability) performed at Invitae indicates that this missense variant is expected to disrupt ADA protein function. In summary, the available evidence is currently insufficient to determine the role of this variant in disease. Therefore, it has been classified as a Variant of Uncertain Significance.

NM_000022.4(ADA):c.281G>A (p.Gly94Asp)

Gene: ADA (adenosine deaminase; minus strand). Cytogenetic location: 20q13.12.
Variant type: single nucleotide variant.
Coding change: c.281G>A on transcript NM_000022.4 (MANE Select); coding-DNA position 281, G replaced by A.
Protein change: p.Gly94Asp; replaces glycine 94 with aspartic acid.
Molecular consequence: missense variant. On other transcripts: 5 prime UTR variant (1), non-coding transcript variant (1).
Genome position (GRCh38, 1-based): chr20:44,626,537, C>T on the plus strand (G>A on the coding strand, the complement: ADA is on the minus strand). VCF-style: chr20-44626537-C-T. GRCh37 (hg19) VCF-style: chr20-43255178-C-T.
Other names: c.-9G>A (NM_001322050.2); c.281G>A, p.Gly94Asp (NM_001322051.2); short protein forms G94D.
Identifiers: ClinVar variation 1981463 (VCV001981463.2), dbSNP rs2065384316, ClinGen allele CA409121424.